The following is an entry in ClinVar:

NM_152415.3(VPS37A):c.202T>C (p.Leu68=)

Gene: VPS37A (VPS37A subunit of ESCRT-I; plus strand). Cytogenetic location: 8p22.
Variant type: single nucleotide variant.
Coding change: c.202T>C on transcript NM_152415.3 (MANE Select); coding-DNA position 202, T replaced by C.
Protein change: p.Leu68=; no amino-acid change (leucine 68 retained).
Molecular consequence: synonymous variant. On other transcripts: 5 prime UTR variant (5).
Genome position (GRCh38, 1-based): chr8:17,268,259, T>C. VCF-style: chr8-17268259-T-C. GRCh37 (hg19) VCF-style: chr8-17125768-T-C.
Other names: c.127T>C, p.Leu43= (NM_001145152.2); c.202T>C, p.Leu68= (NM_001363167.1, NM_001363173.2); c.-69T>C (NM_001363168.1, NM_001363169.1, NM_001363170.1 and 2 more transcripts).
Identifiers: ClinVar variation 196580 (VCV000196580.13), dbSNP rs11555738, ClinGen allele CA202448.

ClinVar aggregate classification (germline): Benign. Review status: criteria provided, multiple submitters, no conflicts (2 of 4 stars). 4 submissions from 4 submitters: Benign (4). Last evaluated 2026-02-03.

Conditions:
Hereditary spastic paraplegia 53. Also called: Spastic paraplegia 53, autosomal recessive. Identifiers: Orphanet 319199, MedGen C3539494, MONDO:0013962, OMIM 614898.

Allele frequency attached by ClinVar (database versions not stated): ESP Exome Variant Server 0.18863; gnomAD 0.22377 and 0.22972; ExAC 0.23480; gnomAD exomes 0.23921; TOPMed 0.24606; 1000 Genomes Project 30x 0.34853; 1000 Genomes Project 0.35244.
gnomAD v4.1: 272,538 of 1,608,324 alleles (17%); highest among the groups gnomAD compares: East Asian, 61%; 32,376 homozygotes.

Submissions (4):

Labcorp Genetics (formerly Invitae), Labcorp
Classification: Benign for Hereditary spastic paraplegia 53. Last evaluated: 2026-02-03. Review status: criteria provided, single submitter. Criteria: Invitae Variant Classification Sherloc (09022015). Collection method: clinical testing. Allele origin: germline.

GeneDx
Classification: Benign. Last evaluated: 2016-03-03. Review status: criteria provided, single submitter. Criteria: GeneDx Variant Classification (06012015). Collection method: clinical testing. Allele origin: germline. Affected: yes.
Comment: This variant is considered likely benign or benign based on one or more of the following criteria: it is a conservative change, it occurs at a poorly conserved position in the protein, it is predicted to be benign by multiple in silico algorithms, and/or has population frequency not consistent with disease.

Eurofins Ntd Llc (ga)
Classification: Benign. Last evaluated: 2015-05-21. Review status: criteria provided, single submitter. Criteria: EGL Classification Definitions 2015. Collection method: clinical testing. Allele origin: germline. Observed: 2 variant alleles, 2 heterozygotes.

Breakthrough Genomics
Classification: Benign. Review status: criteria provided, single submitter. Criteria: ACMG Guidelines, 2015. Collection method: not provided. Allele origin: germline. Inheritance: Autosomal recessive inheritance. Affected: yes.